The following is an entry in ClinVar:

NM_012472.6(DNAAF11):c.724_725del (p.Asn242fs)

Gene: DNAAF11 (dynein axonemal assembly factor 11; minus strand). Cytogenetic location: 8q24.22.
Variant type: Deletion.
Coding change: c.724_725del on transcript NM_012472.6 (MANE Select); coding-DNA positions 724 to 725, 2 bases deleted (AA; older notation c.724_725delAA).
Protein change: p.Asn242fs; shifts the reading frame from asparagine 242.
Molecular consequence: frameshift variant. On other transcripts: non-coding transcript variant (10).
Genome position (GRCh38, 1-based): chr8:132,625,383-132,625,384, TT deleted on the plus strand (AA on the coding strand, the reverse complement: DNAAF11 is on the minus strand). VCF-style (leftmost placement, unchanged base first): chr8-132625382-GTT-G. GRCh37 (hg19) VCF-style: chr8-133637628-GTT-G.
Other names: c.724_725del, p.Asn242fs (NM_001321961.2); c.478_479del, p.Asn160fs (NM_001321962.2); c.364_365del, p.Asn122fs (NM_001321963.2, NM_001321964.2, NM_001321965.2 and 1 more transcripts); short protein forms N122fs, N160fs, N242fs.
Identifiers: ClinVar variation 1681037 (VCV001681037.6), dbSNP rs2130325496, ClinGen allele CA2573142848.
Genomic context (GRCh38, chr8:132,625,382, plus strand): 5'-CAATCTTGATTCAGGAGTAAACAAACAGGGCTTATTCCAGAATTCCAAGTCATCTTCACT[GTT>G]GTCTAATTTCTTTGTGTTGTGTTCCTCTGTGTCTGGTGCCTGTAGGTGGTCTTTGCTCTC-3'

ClinVar aggregate classification (germline): Pathogenic (1 of 4 stars; one submission).

Conditions:
Primary ciliary dyskinesia 19. Also called: CILIARY DYSKINESIA, PRIMARY, 19, WITH OR WITHOUT SITUS INVERSUS. Identifiers: Orphanet 244, MedGen C3543826, MONDO:0013979, OMIM 614935.

Submission:

Labcorp Genetics (formerly Invitae), Labcorp
Classification: Pathogenic for Primary ciliary dyskinesia 19. Last evaluated: 2020-12-13. Review status: criteria provided, single submitter. Criteria: Invitae Variant Classification Sherloc (09022015). Collection method: clinical testing. Allele origin: germline.
Comment: For these reasons, this variant has been classified as Pathogenic. This variant has not been reported in the literature in individuals with LRRC6-related conditions. This variant is not present in population databases (ExAC no frequency). This sequence change creates a premature translational stop signal (p.Asn242Glnfs*2) in the LRRC6 gene. It is expected to result in an absent or disrupted protein product. Loss-of-function variants in LRRC6 are known to be pathogenic (PMID: 23122589).

Literature cited by the submitters: PubMed 23122589.